The following is an entry in ClinVar:

NM_001852.4(COL9A2):c.1435C>A (p.Pro479Thr)

Gene: COL9A2 (collagen type IX alpha 2 chain; minus strand). Cytogenetic location: 1p34.2.
Variant type: single nucleotide variant.
Coding change: c.1435C>A on transcript NM_001852.4 (MANE Select); coding-DNA position 1435, C replaced by A.
Protein change: p.Pro479Thr; replaces proline 479 with threonine.
Molecular consequence: missense variant.
Genome position (GRCh38, 1-based): chr1:40,303,643, G>T on the plus strand (C>A on the coding strand, the complement: COL9A2 is on the minus strand). VCF-style: chr1-40303643-G-T. GRCh37 (hg19) VCF-style: chr1-40769315-G-T.
Other names: short protein forms P479T.
Identifiers: ClinVar variation 3709952 (VCV003709952.2).

ClinVar aggregate classification (germline): Uncertain significance (1 of 4 stars; one submission).

Submission:

Labcorp Genetics (formerly Invitae), Labcorp
Classification: Uncertain significance. Last evaluated: 2024-03-07. Review status: criteria provided, single submitter. Criteria: Invitae Variant Classification Sherloc (09022015). Collection method: clinical testing. Allele origin: germline.
Comment: This sequence change replaces proline, which is neutral and non-polar, with threonine, which is neutral and polar, at codon 479 of the COL9A2 protein (p.Pro479Thr). This variant is not present in population databases (gnomAD no frequency). This variant has not been reported in the literature in individuals affected with COL9A2-related conditions. Advanced modeling of protein sequence and biophysical properties (such as structural, functional, and spatial information, amino acid conservation, physicochemical variation, residue mobility, and thermodynamic stability) performed at Invitae indicates that this missense variant is not expected to disrupt COL9A2 protein function with a negative predictive value of 95%. In summary, the available evidence is currently insufficient to determine the role of this variant in disease. Therefore, it has been classified as a Variant of Uncertain Significance.